The following is an entry in ClinVar:

NM_001378615.1(CC2D2A):c.762A>G (p.Leu254=)

Genes: CC2D2A (coiled-coil and C2 domain containing 2A; plus strand), FBXL5 (F-box and leucine rich repeat protein 5; minus strand). Cytogenetic location: 4p15.32.
Variant type: single nucleotide variant.
Coding change: c.762A>G on transcript NM_001378615.1 (MANE Select); coding-DNA position 762, A replaced by G.
Protein change: p.Leu254=; no amino-acid change (leucine 254 retained).
Molecular consequence: synonymous variant.
Genome position (GRCh38, 1-based): chr4:15,514,751, A>G. VCF-style: chr4-15514751-A-G. GRCh37 (hg19) VCF-style: chr4-15516374-A-G.
Other names: p.Leu254=; c.762A>G, p.Leu254= (NM_001080522.2); c.615A>G, p.Leu205= (NM_001378617.1).
Identifiers: ClinVar variation 257395 (VCV000257395.24), dbSNP rs116198081, ClinGen allele CA2863492.

ClinVar aggregate classification (germline): Conflicting classifications of pathogenicity. Review status: criteria provided, conflicting classifications (1 of 4 stars). 9 submissions from 8 submitters: Uncertain significance (1); Benign (5); Likely benign (1). 2 of the submissions do not count toward it. Last evaluated 2026-02-04.

Conditions:
Joubert syndrome 9 (JBTS9). Identifiers: Orphanet 2318, MedGen C2676788, MONDO:0012849, OMIM 612285.
Joubert syndrome. Also called: Familial aplasia of the vermis; JOUBERT-BOLTSHAUSER SYNDROME. Identifiers: Orphanet 475, MedGen C5979921, MONDO:0018772.
Meckel-Gruber syndrome. Also called: Dysencephalia splachnocystica; DYSENCEPHALIA SPLANCHNOCYSTICA; GRUBER SYNDROME. Identifiers: Orphanet 564, MedGen C0265215, MONDO:0018921.
Meckel syndrome, type 6. Identifiers: Orphanet 564, MedGen C2676790, MONDO:0012848, OMIM 612284.

Allele frequency attached by ClinVar (database versions not stated): ExAC 0.00171; 1000 Genomes Project 0.00459; ESP Exome Variant Server 0.00604; 1000 Genomes Project 30x 0.00625; TOPMed 0.00688.
gnomAD v4.1: 1,853 of 1,609,840 alleles (0.12%); highest among the groups gnomAD compares: African/African-American, 2.2%; 18 homozygotes.

Submissions (9):

Labcorp Genetics (formerly Invitae), Labcorp
Classification: Benign for Joubert syndrome; Meckel-Gruber syndrome. Last evaluated: 2026-02-04. Review status: criteria provided, single submitter. Criteria: Invitae Variant Classification Sherloc (09022015). Collection method: clinical testing. Allele origin: germline.

Mayo Clinic Laboratories, Mayo Clinic
Classification: Benign. Last evaluated: 2025-10-09. Review status: criteria provided, single submitter. Criteria: ACMG Guidelines, 2015. Collection method: clinical testing. Allele origin: germline. Observed: 10 variant alleles.
Comment: BS1, BS2, BP4, BP7

GeneDx
Classification: Benign. Last evaluated: 2018-03-09. Review status: criteria provided, single submitter. Criteria: GeneDx Variant Classification (06012015). Collection method: clinical testing. Allele origin: germline. Affected: yes.
Comment: This variant is considered likely benign or benign based on one or more of the following criteria: it is a conservative change, it occurs at a poorly conserved position in the protein, it is predicted to be benign by multiple in silico algorithms, and/or has population frequency not consistent with disease.

Illumina Laboratory Services, Illumina
Classification: Benign for Joubert syndrome 9. Last evaluated: 2018-01-13. Review status: criteria provided, single submitter. Criteria: ICSL Variant Classification Criteria 13 December 2019. Collection method: clinical testing. Allele origin: germline.
Comment: This variant was observed in the ICSL laboratory as part of a predisposition screen in an ostensibly healthy population. It had not been previously curated by ICSL or reported in the Human Gene Mutation Database (HGMD: prior to June 1st, 2018), and was therefore a candidate for classification through an automated scoring system. Utilizing variant allele frequency, disease prevalence and penetrance estimates, and inheritance mode, an automated score was calculated to assess if this variant is too frequent to cause the disease. Based on the score and internal cut-off values, a variant classified as benign is not then subjected to further curation. The score for this variant resulted in a classification of benign for this disease.

Illumina Laboratory Services, Illumina
Classification: Uncertain significance for Meckel syndrome, type 6. Last evaluated: 2018-01-13. Review status: criteria provided, single submitter. Criteria: ICSL Variant Classification Criteria 13 December 2019. Collection method: clinical testing. Allele origin: germline.

Genetic Services Laboratory, University of Chicago
Classification: Benign. Last evaluated: 2017-08-24. Review status: criteria provided, single submitter. Criteria: ACMG Guidelines, 2015. Collection method: clinical testing. Allele origin: germline. Affected: no.

PreventionGenetics, part of Exact Sciences
Classification: Likely benign. Review status: criteria provided, single submitter. Criteria: ACMG Guidelines, 2015. Collection method: clinical testing. Allele origin: germline.

Clinical Genetics, Academic Medical Center
Classification: Likely benign. Review status: no assertion criteria provided. Collection method: clinical testing. Allele origin: germline. Affected: yes. Study: VKGL Data-share Consensus. Not counted in ClinVar's aggregate classification.

Genome Diagnostics Laboratory, University Medical Center Utrecht
Classification: Benign. Review status: no assertion criteria provided. Collection method: clinical testing. Allele origin: germline. Affected: yes. Study: VKGL Data-share Consensus. Not counted in ClinVar's aggregate classification.